The following is an entry in ClinVar:

NM_000245.4(MET):c.143C>G (p.Ala48Gly)

Gene: MET (MET proto-oncogene, receptor tyrosine kinase; plus strand). Cytogenetic location: 7q31.2.
Variant type: single nucleotide variant.
Coding change: c.143C>G on transcript NM_000245.4 (MANE Select); coding-DNA position 143, C replaced by G.
Protein change: p.Ala48Gly; replaces alanine 48 with glycine.
Molecular consequence: missense variant. On other transcripts: intron variant (1).
Genome position (GRCh38, 1-based): chr7:116,699,227, C>G. VCF-style: chr7-116699227-C-G. GRCh37 (hg19) VCF-style: chr7-116339281-C-G.
Other names: c.143C>G, p.Ala48Gly (NM_001127500.3, NM_001324401.3); c.-91+26650C>G (NM_001324402.2); c.143C>G (NM_001127500.2); short protein forms A48G.
Identifiers: ClinVar variation 411909 (VCV000411909.14), dbSNP rs80256822, ClinGen allele CA4447947.

ClinVar aggregate classification (germline): Conflicting classifications of pathogenicity. Review status: criteria provided, conflicting classifications (1 of 4 stars). 5 submissions from 5 submitters: Uncertain significance (4); Likely benign (1). Last evaluated 2025-08-06.

Conditions:
Papillary renal cell carcinoma type 1 (RCCP1). Also called: RENAL CELL CARCINOMA, PAPILLARY, 1, SOMATIC; Renal adenocarcinoma; Renal cell carcinoma 1; Renal cell carcinoma, somatic. Identifiers: Orphanet 47044, MedGen C1336839, OMIM 605074, HP:0011797.
Osteofibrous dysplasia (OSFD). Also called: Tibia, bowing of, with pseudarthrosis and pectus excavatum. Identifiers: Orphanet 488265, MedGen C4085248, MONDO:0011806, OMIM 607278.
Autosomal recessive nonsyndromic hearing loss 97. Also called: Deafness, autosomal recessive 97. Identifiers: Orphanet 90636, MedGen C4084709, MONDO:0014739, OMIM 616705.
Hepatocellular carcinoma (HCC). Also called: Primary carcinoma of liver; HEPATOMA; LIVER CELL CARCINOMA. Identifiers: Orphanet 88673, MedGen C2239176, MONDO:0007256, OMIM 114550, HP:0001402.
MET-related disorder. Also called: MET-related condition.
Renal cell carcinoma. Identifiers: Orphanet 217071, MedGen C0007134, MeSH D002292, MONDO:0005086, HP:0005584.
Hereditary cancer-predisposing syndrome. Also called: Neoplastic Syndromes, Hereditary; Tumor predisposition; Hereditary Cancer Syndrome; Hereditary neoplastic syndrome. Identifiers: Orphanet 140162, MedGen C0027672, MeSH D009386, MONDO:0015356.

Allele frequency attached by ClinVar (database versions not stated): gnomAD 0.00001; TOPMed 0.00002; ExAC 0.00003.
gnomAD v4.1: 10 of 1,613,824 alleles (0.00062%); highest among the groups gnomAD compares: East Asian, 0.016%; no homozygotes.

Submissions (5):

PreventionGenetics, part of Exact Sciences
Classification: Uncertain significance for MET-related condition. Last evaluated: 2025-08-06. Review status: criteria provided, single submitter. Criteria: ACMG Guidelines, 2015. Collection method: clinical testing. Allele origin: germline.
Comment: The MET c.143C>G variant is predicted to result in the amino acid substitution p.Ala48Gly. To our knowledge, this variant has not been reported in the literature. This variant is reported in 0.028% of alleles in individuals of East Asian descent in gnomAD and has conflicting interpretations in ClinVar, ranging from uncertain to likely benign (Variation ID: 411909). At this time, the clinical significance of this variant is uncertain due to the absence of conclusive functional and genetic evidence.

Labcorp Genetics (formerly Invitae), Labcorp
Classification: Uncertain significance for Renal cell carcinoma. Last evaluated: 2025-01-02. Review status: criteria provided, single submitter. Criteria: Invitae Variant Classification Sherloc (09022015). Collection method: clinical testing. Allele origin: germline.
Comment: This sequence change replaces alanine, which is neutral and non-polar, with glycine, which is neutral and non-polar, at codon 48 of the MET protein (p.Ala48Gly). This variant is present in population databases (rs80256822, gnomAD 0.03%). This variant has not been reported in the literature in individuals affected with MET-related conditions. ClinVar contains an entry for this variant (Variation ID: 411909). Invitae Evidence Modeling of protein sequence and biophysical properties (such as structural, functional, and spatial information, amino acid conservation, physicochemical variation, residue mobility, and thermodynamic stability) indicates that this missense variant is expected to disrupt MET protein function with a positive predictive value of 80%. In summary, the available evidence is currently insufficient to determine the role of this variant in disease. Therefore, it has been classified as a Variant of Uncertain Significance.

Baylor Genetics
Classification: Uncertain significance for Autosomal recessive nonsyndromic hearing loss 97. Last evaluated: 2023-10-17. Review status: criteria provided, single submitter. Criteria: ACMG Guidelines, 2015. Collection method: clinical testing. Allele origin: unknown.

Ambry Genetics
Classification: Likely benign for Hereditary cancer-predisposing syndrome. Last evaluated: 2023-08-30. Review status: criteria provided, single submitter. Criteria: Ambry Variant Classification Scheme 2023. Collection method: clinical testing. Allele origin: germline.

Fulgent Genetics
Classification: Uncertain significance for Hepatocellular carcinoma; Papillary renal cell carcinoma type 1; Osteofibrous dysplasia; Autosomal recessive nonsyndromic hearing loss 97. Last evaluated: 2018-10-31. Review status: criteria provided, single submitter. Criteria: ACMG Guidelines, 2015. Collection method: clinical testing. Allele origin: unknown.